The following is an entry in ClinVar:

NM_005609.4(PYGM):c.1458_1462delinsTATAAGAGACAGT (p.Thr488fs)

Gene: PYGM (glycogen phosphorylase, muscle associated; minus strand). Cytogenetic location: 11q13.1.
Variant type: Indel.
Coding change: c.1458_1462delinsTATAAGAGACAGT on transcript NM_005609.4 (MANE Select); coding-DNA positions 1458 to 1462, CATCA replaced by TATAAGAGACAGT.
Protein change: p.Thr488fs; shifts the reading frame from threonine 488.
Molecular consequence: frameshift variant.
Genome position (GRCh38, 1-based): chr11:64,753,129-64,753,133, TGATG replaced by ACTGTCTCTTATA on the plus strand (CATCA replaced by TATAAGAGACAGT on the coding strand, the reverse complement: PYGM is on the minus strand). VCF-style: chr11-64753129-TGATG-ACTGTCTCTTATA. GRCh37 (hg19) VCF-style: chr11-64520601-TGATG-ACTGTCTCTTATA.
Other names: c.1194_1198delinsTATAAGAGACAGT, p.Thr400fs (NM_001164716.1); short protein forms T400fs, T488fs.
Identifiers: ClinVar variation 5011233 (VCV005011233.1).

ClinVar aggregate classification (germline): Pathogenic (1 of 4 stars; one submission).

Conditions:
Glycogen storage disease, type V (GSD5). Also called: MCARDLE DISEASE; MUSCLE GLYCOGEN PHOSPHORYLASE DEFICIENCY; MYOPHOSPHORYLASE DEFICIENCY; PYGM DEFICIENCY; McArdle type glycogen storage disease. Identifiers: Orphanet 368, MedGen C0017924, MONDO:0009293, OMIM 232600.

Submission:

Myriad Genetics, Inc.
Classification: Pathogenic for Glycogen storage disease, type V. Last evaluated: 2024-05-14. Review status: criteria provided, single submitter. Criteria: Myriad Autosomal Dominant, Autosomal Recessive and X-Linked Classification Criteria (2023). Collection method: clinical testing. Allele origin: unknown.
Comment: NM_005609.2(PYGM):c.1458_1462del5ins13(T488Rfs*54) is expected to be pathogenic in the context of glycogen storage disease, PYGM-related. This variant is predicted to lead to an abnormal or absent protein product due to the creation of a premature termination codon in PYGM, a gene where loss-of-function variants are known to be pathogenic. Please note: this variant was assessed in the context of healthy population screening.